The following is an entry in ClinVar:

ClinVar aggregate classification (germline): Uncertain significance (1 of 4 stars; one submission).

Allele frequency attached by ClinVar (database versions not stated): gnomAD exomes 0.00004; ExAC 0.00024; gnomAD 0.00046; ESP Exome Variant Server 0.00047; TOPMed 0.00073; 1000 Genomes Project 30x 0.00078; 1000 Genomes Project 0.00080.
gnomAD v4.1: 116 of 1,274,634 alleles (0.0091%); highest among the groups gnomAD compares: African/African-American, 0.15%; no homozygotes.

Submission:

Labcorp Genetics (formerly Invitae), Labcorp
Classification: Uncertain significance. Last evaluated: 2025-11-17. Review status: criteria provided, single submitter. Criteria: Invitae Variant Classification Sherloc (09022015). Collection method: clinical testing. Allele origin: germline.
Comment: This sequence change replaces aspartic acid, which is acidic and polar, with valine, which is neutral and non-polar, at codon 199 of the CEP89 protein (p.Asp199Val). This variant is present in population databases (rs142458977, gnomAD 0.2%), and has an allele count higher than expected for a pathogenic variant. This variant has not been reported in the literature in individuals affected with CEP89-related conditions. ClinVar contains an entry for this variant (Variation ID: 2049191). An algorithm developed to predict the effect of missense changes on protein structure and function (PolyPhen-2) suggests that this variant is likely to be disruptive. In summary, the available evidence is currently insufficient to determine the role of this variant in disease. Therefore, it has been classified as a Variant of Uncertain Significance.

NM_032816.5(CEP89):c.596A>T (p.Asp199Val)

Gene: CEP89 (centrosomal protein 89; minus strand). Cytogenetic location: 19q13.11.
Variant type: single nucleotide variant.
Coding change: c.596A>T on transcript NM_032816.5 (MANE Select); coding-DNA position 596, A replaced by T.
Protein change: p.Asp199Val; replaces aspartic acid 199 with valine.
Molecular consequence: missense variant.
Genome position (GRCh38, 1-based): chr19:32,939,885, T>A on the plus strand (A>T on the coding strand, the complement: CEP89 is on the minus strand). VCF-style: chr19-32939885-T-A. GRCh37 (hg19) VCF-style: chr19-33430791-T-A.
Other names: short protein forms D199V.
Identifiers: ClinVar variation 2049191 (VCV002049191.4), dbSNP rs142458977, ClinGen allele CA9359582.